The following is an entry in ClinVar:

ClinVar aggregate classification (germline): Uncertain significance. Review status: criteria provided, multiple submitters, no conflicts (2 of 4 stars). 2 submissions from 2 submitters: Uncertain significance (2). Last evaluated 2024-11-12.

Conditions:
Inborn genetic diseases. Identifiers: MedGen C0950123, MeSH D030342.
Combined immunodeficiency due to LRBA deficiency. Also called: Common variable immunodeficiency 8, with autoimmunity. Identifiers: Orphanet 445018, MedGen C3553512, MONDO:0013863, OMIM 614700.

Allele frequency attached by ClinVar (database versions not stated): gnomAD exomes below 0.00001; TOPMed below 0.00001; ExAC 0.00001; gnomAD 0.00001.
gnomAD v4.1: 6 of 1,591,358 alleles (0.00038%); highest among the groups gnomAD compares: Non-Finnish European, 0.00043%; no homozygotes.

Submissions (2):

Ambry Genetics
Classification: Uncertain significance for Inborn genetic diseases. Last evaluated: 2024-11-12. Review status: criteria provided, single submitter. Criteria: Ambry Variant Classification Scheme 2023. Collection method: clinical testing. Allele origin: germline.

Labcorp Genetics (formerly Invitae), Labcorp
Classification: Uncertain significance for Combined immunodeficiency due to LRBA deficiency. Last evaluated: 2021-06-16. Review status: criteria provided, single submitter. Criteria: Invitae Variant Classification Sherloc (09022015). Collection method: clinical testing. Allele origin: germline.
Comment: In summary, the available evidence is currently insufficient to determine the role of this variant in disease. Therefore, it has been classified as a Variant of Uncertain Significance. Algorithms developed to predict the effect of sequence changes on RNA splicing suggest that this variant may create or strengthen a splice site, but this prediction has not been confirmed by published transcriptional studies. Algorithms developed to predict the effect of missense changes on protein structure and function are either unavailable or do not agree on the potential impact of this missense change (SIFT: "Tolerated"; PolyPhen-2: "Possibly Damaging"; Align-GVGD: "Class C0"). This variant has not been reported in the literature in individuals with LRBA-related conditions. This variant is present in population databases (rs767919499, ExAC 0.002%). This sequence change replaces asparagine with aspartic acid at codon 2159 of the LRBA protein (p.Asn2159Asp). The asparagine residue is weakly conserved and there is a small physicochemical difference between asparagine and aspartic acid.

NM_001364905.1(LRBA):c.6442A>G (p.Asn2148Asp)

Gene: LRBA (LPS responsive beige-like anchor protein; minus strand). Cytogenetic location: 4q31.3.
Variant type: single nucleotide variant.
Coding change: c.6442A>G on transcript NM_001364905.1 (MANE Select); coding-DNA position 6442, A replaced by G.
Protein change: p.Asn2148Asp; replaces asparagine 2148 with aspartic acid.
Molecular consequence: missense variant.
Genome position (GRCh38, 1-based): chr4:150,490,924, T>C on the plus strand (A>G on the coding strand, the complement: LRBA is on the minus strand). VCF-style: chr4-150490924-T-C. GRCh37 (hg19) VCF-style: chr4-151412076-T-C.
Other names: c.6442A>G, p.Asn2148Asp (NM_001199282.3, NM_001367550.1); c.6475A>G, p.Asn2159Asp (NM_006726.5); short protein forms N2148D, N2159D.
Identifiers: ClinVar variation 1374781 (VCV001374781.9), dbSNP rs767919499, ClinGen allele CA3101943.
Genomic context (GRCh38, chr4:150,490,924, plus strand): 5'-ATCTTAAAGAGATGGAAGTTAGCTCTGTAACAACGTATTTCTGTAACACATTACCTCTGT[T>C]TGCCATAAAGATCTCCAGGGCTGTATTTTGCAAAAGATAACGACGAGAAAAGATTGATCG-3'
Protein context (NP_001351834.1, residues 2138-2158): QNTALEIFMA[Asn2148Asp]RVAVMFNFPD